The following is an entry in ClinVar:

ClinVar aggregate classification (germline): Uncertain significance (1 of 4 stars; one submission).

Conditions:
Cardiovascular phenotype. Identifiers: MedGen CN230736.

Submission:

Ambry Genetics
Classification: Uncertain significance for Cardiovascular phenotype. Last evaluated: 2018-08-28. Review status: criteria provided, single submitter. Criteria: Ambry Variant Classification Scheme 2023. Collection method: clinical testing. Allele origin: germline.
Comment: The p.T159S variant (also known as c.475A>T), located in coding exon 4 of the MYL3 gene, results from an A to T substitution at nucleotide position 475. The threonine at codon 159 is replaced by serine, an amino acid with similar properties. This amino acid position is well conserved in available vertebrate species. In addition, the in silico prediction for this alteration is inconclusive. Since supporting evidence is limited at this time, the clinical significance of this alteration remains unclear.

NM_000258.3(MYL3):c.475A>T (p.Thr159Ser)

Gene: MYL3 (myosin light chain 3; minus strand). Cytogenetic location: 3p21.31.
Variant type: single nucleotide variant.
Coding change: c.475A>T on transcript NM_000258.3 (MANE Select); coding-DNA position 475, A replaced by T.
Protein change: p.Thr159Ser; replaces threonine 159 with serine.
Molecular consequence: missense variant.
Genome position (GRCh38, 1-based): chr3:46,859,481, T>A on the plus strand (A>T on the coding strand, the complement: MYL3 is on the minus strand). VCF-style: chr3-46859481-T-A. GRCh37 (hg19) VCF-style: chr3-46900971-T-A.
Other names: c.475A>T, p.Thr159Ser (NM_001406937.1, NM_001406938.1, NM_001406939.1); c.301A>T, p.Thr101Ser (NM_001406940.1, NM_001406941.1); short protein forms T101S, T159S.
Identifiers: ClinVar variation 1742880 (VCV001742880.2), dbSNP rs2544964843, ClinGen allele CA352495877.